The following is an entry in ClinVar:

ClinVar aggregate classification (germline): Uncertain significance. Review status: criteria provided, multiple submitters, no conflicts (2 of 4 stars). 5 submissions from 5 submitters: Uncertain significance (4). 1 of the submissions does not count toward it. Last evaluated 2025-11-26.

Conditions:
Inborn genetic diseases. Identifiers: MedGen C0950123, MeSH D030342.
LAMA2-related muscular dystrophy (LAMA2-RD). Also called: Laminin alpha 2-related dystrophy. Identifiers: MedGen C5679788, MONDO:0100228.
Merosin deficient congenital muscular dystrophy (MDC1A). Also called: Congenital merosin-deficient muscular dystrophy 1A; Congenital Muscular Dystrophy Type 1A (MDC1A). Identifiers: Orphanet 258, MedGen C1263858, MONDO:0011925, OMIM 607855.

Allele frequency attached by ClinVar (database versions not stated): gnomAD 0.00006; TOPMed 0.00006; 1000 Genomes Project 30x 0.00016; 1000 Genomes Project 0.00020.
gnomAD v4.1: 25 of 1,613,526 alleles (0.0015%); highest among the groups gnomAD compares: Admixed American, 0.03%; no homozygotes.

Submissions (5):

Women's Health and Genetics/Laboratory Corporation of America, LabCorp
Classification: Uncertain significance. Last evaluated: 2025-11-26. Review status: criteria provided, single submitter. Criteria: LabCorp Variant Classification Summary - May 2015. Collection method: clinical testing. Allele origin: germline.
Comment: Variant summary: LAMA2 c.8326A>T (p.Ile2776Phe) results in a non-conservative amino acid change in the encoded protein sequence. Algorithms developed to predict the effect of missense changes on protein structure and function are either unavailable or do not agree on the potential impact of this missense change. The variant allele was found at a frequency of 8e-06 in 251018 control chromosomes. The available data on variant occurrences in the general population are insufficient to allow any conclusion about variant significance. To our knowledge, no occurrence of c.8326A>T in individuals affected with LAMA2-related conditions and no experimental evidence demonstrating its impact on protein function have been reported. ClinVar contains an entry for this variant (Variation ID: 162580). Based on the evidence outlined above, the variant was classified as uncertain significance.

Labcorp Genetics (formerly Invitae), Labcorp
Classification: Uncertain significance for LAMA2-related muscular dystrophy. Last evaluated: 2024-10-29. Review status: criteria provided, single submitter. Criteria: Invitae Variant Classification Sherloc (09022015). Collection method: clinical testing. Allele origin: germline.
Comment: This sequence change replaces isoleucine, which is neutral and non-polar, with phenylalanine, which is neutral and non-polar, at codon 2776 of the LAMA2 protein (p.Ile2776Phe). This variant is present in population databases (rs569286697, gnomAD 0.006%). This variant has not been reported in the literature in individuals affected with LAMA2-related conditions. ClinVar contains an entry for this variant (Variation ID: 162580). Invitae Evidence Modeling of protein sequence and biophysical properties (such as structural, functional, and spatial information, amino acid conservation, physicochemical variation, residue mobility, and thermodynamic stability) indicates that this missense variant is not expected to disrupt LAMA2 protein function with a negative predictive value of 95%. In summary, the available evidence is currently insufficient to determine the role of this variant in disease. Therefore, it has been classified as a Variant of Uncertain Significance.

Ambry Genetics
Classification: Uncertain significance for Inborn genetic diseases. Last evaluated: 2024-10-09. Review status: criteria provided, single submitter. Criteria: Ambry Variant Classification Scheme 2023. Collection method: clinical testing. Allele origin: germline.

Revvity Omics, Revvity
Classification: Uncertain significance. Last evaluated: 2019-06-24. Review status: criteria provided, single submitter. Criteria: ACMG Guidelines, 2015. Collection method: clinical testing. Allele origin: germline.

Counsyl
Classification: Uncertain significance for Merosin deficient congenital muscular dystrophy. Last evaluated: 2017-06-05. Review status: no assertion criteria provided. Collection method: clinical testing. Allele origin: unknown. Not counted in ClinVar's aggregate classification.

NM_000426.4(LAMA2):c.8326A>T (p.Ile2776Phe)

Genes: LAMA2 (laminin subunit alpha 2; plus strand), LOC126859784 (CDK7 strongly-dependent group 2 enhancer GRCh37_chr6:129822854-129824053; plus strand). Cytogenetic location: 6q22.33.
Variant type: single nucleotide variant.
Coding change: c.8326A>T on transcript NM_000426.4 (MANE Select); coding-DNA position 8326, A replaced by T.
Protein change: p.Ile2776Phe; replaces isoleucine 2776 with phenylalanine.
Molecular consequence: missense variant.
Genome position (GRCh38, 1-based): chr6:129,502,740, A>T. VCF-style: chr6-129502740-A-T. GRCh37 (hg19) VCF-style: chr6-129823885-A-T.
Other names: c.8314A>T, p.Ile2772Phe (NM_001079823.2); short protein forms I2776F, I2772F.
Identifiers: ClinVar variation 162580 (VCV000162580.10), dbSNP rs569286697, ClinGen allele CA295404.